The following is an entry in ClinVar:

ClinVar aggregate classification (germline): Likely benign. Review status: criteria provided, multiple submitters, no conflicts (2 of 4 stars). 3 submissions from 3 submitters: Likely benign (3). Last evaluated 2026-07-01.

Conditions:
Finnish type amyloidosis. Also called: AMYLOID CRANIAL NEUROPATHY WITH LATTICE CORNEAL DYSTROPHY; AMYLOIDOSIS DUE TO MUTANT GELSOLIN; Lattice corneal dystrophy associated with familial systemic amyloidosis; Meretoja's syndrome; Lattice dystrophy of the cornea with hereditary generalized amyloidosis; AMYLOIDOSIS, HEREDITARY SYSTEMIC 4, FINNISH TYPE. Identifiers: Orphanet 85448, MedGen C1622345, MONDO:0007097, OMIM 105120.

Allele frequency attached by ClinVar (database versions not stated): gnomAD 0.00009; gnomAD exomes 0.00001 and 0.00003; ExAC 0.00005; ESP Exome Variant Server 0.00008; TOPMed 0.00008.
gnomAD v4.1: 30 of 1,613,968 alleles (0.0019%); highest among the groups gnomAD compares: African/African-American, 0.021%; 1 homozygote.

Submissions (3):

CeGaT Center for Human Genetics Tuebingen
Classification: Likely benign. Last evaluated: 2026-07-01. Review status: criteria provided, single submitter. Criteria: CeGaT Center For Human Genetics Tuebingen Variant Classification Criteria Version 2. Collection method: clinical testing. Allele origin: germline. Affected: yes. Observed: 1 variant allele.
Comment: GSN: BP4, BP7

Labcorp Genetics (formerly Invitae), Labcorp
Classification: Likely benign. Last evaluated: 2025-09-11. Review status: criteria provided, single submitter. Criteria: Invitae Variant Classification Sherloc (09022015). Collection method: clinical testing. Allele origin: germline.

Fulgent Genetics
Classification: Likely benign for Finnish type amyloidosis. Last evaluated: 2021-11-08. Review status: criteria provided, single submitter. Criteria: ACMG Guidelines, 2015. Collection method: clinical testing. Allele origin: unknown.

NM_198252.3(GSN):c.303C>T (p.Phe101=)

Gene: GSN (gelsolin; plus strand). Cytogenetic location: 9q33.2.
Variant type: single nucleotide variant.
Coding change: c.303C>T on transcript NM_198252.3 (MANE Select); coding-DNA position 303, C replaced by T.
Protein change: p.Phe101=; no amino-acid change (phenylalanine 101 retained).
Molecular consequence: synonymous variant. On other transcripts: 5 prime UTR variant (1).
Genome position (GRCh38, 1-based): chr9:121,303,017, C>T. VCF-style: chr9-121303017-C-T. GRCh37 (hg19) VCF-style: chr9-124065295-C-T.
Other names: c.456C>T, p.Phe152= (NM_000177.5); c.303C>T, p.Phe101= (NM_001127662.2, NM_001127664.2, NM_001127665.2 and 10 more transcripts); c.411C>T, p.Phe137= (NM_001127663.2); c.336C>T, p.Phe112= (NM_001127666.2, NM_001127667.2, NM_001353063.2 and 13 more transcripts); c.354C>T, p.Phe118= (NM_001258029.2); c.327C>T, p.Phe109= (NM_001258030.2); c.375C>T, p.Phe125= (NM_001353076.2); c.-352C>T (NM_001353078.2).
Identifiers: ClinVar variation 1623200 (VCV001623200.10), dbSNP rs373779982, ClinGen allele CA5220833.